The following is an entry in ClinVar:

NM_001080414.4(CCDC88C):c.2171C>T (p.Ala724Val)

Gene: CCDC88C (coiled-coil domain containing 88C; minus strand). Cytogenetic location: 14q32.11.
Variant type: single nucleotide variant.
Coding change: c.2171C>T on transcript NM_001080414.4 (MANE Select); coding-DNA position 2171, C replaced by T.
Protein change: p.Ala724Val; replaces alanine 724 with valine.
Molecular consequence: missense variant.
Genome position (GRCh38, 1-based): chr14:91,313,645, G>A on the plus strand (C>T on the coding strand, the complement: CCDC88C is on the minus strand). VCF-style: chr14-91313645-G-A. GRCh37 (hg19) VCF-style: chr14-91779989-G-A.
Other names: short protein forms A724V.
Identifiers: ClinVar variation 1878296 (VCV001878296.2), dbSNP rs752384302, ClinGen allele CA7309730.

ClinVar aggregate classification (germline): Uncertain significance. Review status: criteria provided, multiple submitters, no conflicts (2 of 4 stars). 2 submissions from 2 submitters: Uncertain significance (2). Last evaluated 2023-12-19.

Conditions:
Inborn genetic diseases. Identifiers: MedGen C0950123, MeSH D030342.

Allele frequency attached by ClinVar (database versions not stated): ExAC 0.00002; gnomAD 0.00003; TOPMed 0.00006; gnomAD exomes 0.00007.
gnomAD v4.1: 107 of 1,612,326 alleles (0.0066%); highest among the groups gnomAD compares: Non-Finnish European, 0.0085%; no homozygotes.

Submissions (2):

Ambry Genetics
Classification: Uncertain significance for Inborn genetic diseases. Last evaluated: 2023-12-19. Review status: criteria provided, single submitter. Criteria: Ambry Variant Classification Scheme 2023. Collection method: clinical testing. Allele origin: germline.

Women's Health and Genetics/Laboratory Corporation of America, LabCorp
Classification: Uncertain significance. Last evaluated: 2022-12-14. Review status: criteria provided, single submitter. Criteria: LabCorp Variant Classification Summary - May 2015. Collection method: clinical testing. Allele origin: germline.
Comment: Variant summary: CCDC88C c.2171C>T (p.Ala724Val) results in a non-conservative amino acid change in the encoded protein sequence. Four of five in-silico tools predict a damaging effect of the variant on protein function. The variant allele was found at a frequency of 2e-05 in 248252 control chromosomes (gnomAD). The available data on variant occurrences in the general population are insufficient to allow any conclusion about variant significance. To our knowledge, no occurrence of c.2171C>T in individuals affected with CCDC88C-Related Disorders and no experimental evidence demonstrating its impact on protein function have been reported. No clinical diagnostic laboratories have submitted clinical-significance assessments for this variant to ClinVar after 2014. Based on the evidence outlined above, the variant was classified as uncertain significance.